The following is an entry in ClinVar:

ClinVar aggregate classification (germline): Likely benign (1 of 4 stars; one submission).

Submission:

CeGaT Center for Human Genetics Tuebingen
Classification: Likely benign. Last evaluated: 2023-06-01. Review status: criteria provided, single submitter. Criteria: CeGaT Center For Human Genetics Tuebingen Variant Classification Criteria Version 2. Collection method: clinical testing. Allele origin: germline. Affected: yes. Observed: 11 variant alleles.
Comment: HRAS: BS1

NC_000011.10:g.530428_530455del

Genes: HRAS (HRas proto-oncogene, GTPase; minus strand), LRRC56 (leucine rich repeat containing 56; plus strand). Cytogenetic location: 11p15.5.
Variant type: Deletion.
Genome position: GRCh38 VCF-style: chr11-530419-GAGTGTGGCATTCCCTGGACAGAAGGGCA-G. GRCh37 (hg19) VCF-style: chr11-530419-GAGTGTGGCATTCCCTGGACAGAAGGGCA-G.
Identifiers: ClinVar variation 1711268 (VCV001711268.30), dbSNP rs1290702471, ClinGen allele CA596788833.